The following is an entry in ClinVar:

NM_001164277.2(SLC37A4):c.928G>A (p.Gly310Ser)

Gene: SLC37A4 (solute carrier family 37 member 4; minus strand). Cytogenetic location: 11q23.3.
Variant type: single nucleotide variant.
Coding change: c.928G>A on transcript NM_001164277.2 (MANE Select); coding-DNA position 928, G replaced by A.
Protein change: p.Gly310Ser; replaces glycine 310 with serine.
Molecular consequence: missense variant.
Genome position (GRCh38, 1-based): chr11:119,026,023, C>T on the plus strand (G>A on the coding strand, the complement: SLC37A4 is on the minus strand). VCF-style: chr11-119026023-C-T. GRCh37 (hg19) VCF-style: chr11-118896733-C-T.
Other names: c.928G>A, p.Gly310Ser (NM_001164278.2, NM_001164280.2, NM_001467.6); c.709G>A, p.Gly237Ser (NM_001164279.2); short protein forms G310S, G237S.
Identifiers: ClinVar variation 2835025 (VCV002835025.3), dbSNP rs2497017662, ClinGen allele CA382897727.

ClinVar aggregate classification (germline): Uncertain significance (1 of 4 stars; one submission).

Conditions:
Glucose-6-phosphate transport defect (GSD1B). Also called: Glycogen Storage Disease Type Ib; GSD Ib. Identifiers: Orphanet 364, Orphanet 79259, MedGen C0268146, MONDO:0009288, OMIM 232220.

Submission:

Labcorp Genetics (formerly Invitae), Labcorp
Classification: Uncertain significance for Glucose-6-phosphate transport defect. Last evaluated: 2024-04-05. Review status: criteria provided, single submitter. Criteria: Invitae Variant Classification Sherloc (09022015). Collection method: clinical testing. Allele origin: germline.
Comment: This sequence change replaces glycine, which is neutral and non-polar, with serine, which is neutral and polar, at codon 310 of the SLC37A4 protein (p.Gly310Ser). This variant is not present in population databases (gnomAD no frequency). This variant has not been reported in the literature in individuals affected with SLC37A4-related conditions. Advanced modeling of protein sequence and biophysical properties (such as structural, functional, and spatial information, amino acid conservation, physicochemical variation, residue mobility, and thermodynamic stability) performed at Invitae indicates that this missense variant is not expected to disrupt SLC37A4 protein function with a negative predictive value of 80%. In summary, the available evidence is currently insufficient to determine the role of this variant in disease. Therefore, it has been classified as a Variant of Uncertain Significance.